The following is an entry in ClinVar:

ClinVar aggregate classification (germline): Uncertain significance (1 of 4 stars; one submission).

Conditions:
Sphingolipid activator protein 1 deficiency. Also called: METACHROMATIC LEUKODYSTROPHY DUE TO CEREBROSIDE SULFATASE ACTIVATOR DEFICIENCY; Saposin B Deficiency; Metachromatic leukodystrophy due to saposin B deficiency. Identifiers: Orphanet 512, MedGen C0268262, MONDO:0009590, OMIM 249900.

Allele frequency attached by ClinVar (database versions not stated): gnomAD 0.00001.
gnomAD v4.1: 21 of 1,613,922 alleles (0.0013%); highest among the groups gnomAD compares: Admixed American, 0.0033%; no homozygotes.

Submission:

Labcorp Genetics (formerly Invitae), Labcorp
Classification: Uncertain significance for Sphingolipid activator protein 1 deficiency. Last evaluated: 2023-12-22. Review status: criteria provided, single submitter. Criteria: Invitae Variant Classification Sherloc (09022015). Collection method: clinical testing. Allele origin: germline.
Comment: This sequence change replaces isoleucine, which is neutral and non-polar, with leucine, which is neutral and non-polar, at codon 109 of the PSAP protein (p.Ile109Leu). This variant is not present in population databases (gnomAD no frequency). This variant has not been reported in the literature in individuals affected with PSAP-related conditions. ClinVar contains an entry for this variant (Variation ID: 2160750). Advanced modeling of protein sequence and biophysical properties (such as structural, functional, and spatial information, amino acid conservation, physicochemical variation, residue mobility, and thermodynamic stability) performed at Invitae indicates that this missense variant is not expected to disrupt PSAP protein function with a negative predictive value of 80%. In summary, the available evidence is currently insufficient to determine the role of this variant in disease. Therefore, it has been classified as a Variant of Uncertain Significance.

NM_002778.4(PSAP):c.325A>T (p.Ile109Leu)

Gene: PSAP (prosaposin; minus strand). Cytogenetic location: 10q22.1.
Variant type: single nucleotide variant.
Coding change: c.325A>T on transcript NM_002778.4 (MANE Select); coding-DNA position 325, A replaced by T.
Protein change: p.Ile109Leu; replaces isoleucine 109 with leucine.
Molecular consequence: missense variant.
Genome position (GRCh38, 1-based): chr10:71,831,176, T>A on the plus strand (A>T on the coding strand, the complement: PSAP is on the minus strand). VCF-style: chr10-71831176-T-A. GRCh37 (hg19) VCF-style: chr10-73590933-T-A.
Other names: c.325A>T, p.Ile109Leu (NM_001042465.3, NM_001042466.3); short protein forms I109L.
Identifiers: ClinVar variation 2160750 (VCV002160750.2), dbSNP rs750768608, ClinGen allele CA377153591.